The following is an entry in ClinVar:

ClinVar aggregate classification (germline): Uncertain significance (1 of 4 stars; one submission).

Conditions:
Charcot-Marie-Tooth disease type 2. Also called: Charcot-Marie-Tooth type 2. Identifiers: Orphanet 64746, MedGen C0270914, MONDO:0018993.

gnomAD v4.1: 1 of 1,614,128 alleles (0.000062%); highest among the groups gnomAD compares: Admixed American, 0.0017%; no homozygotes.

Submission:

Labcorp Genetics (formerly Invitae), Labcorp
Classification: Uncertain significance for Charcot-Marie-Tooth disease type 2. Last evaluated: 2024-11-12. Review status: criteria provided, single submitter. Criteria: Invitae Variant Classification Sherloc (09022015). Collection method: clinical testing. Allele origin: germline.
Comment: This sequence change replaces histidine, which is basic and polar, with tyrosine, which is neutral and polar, at codon 645 of the GARS protein (p.His645Tyr). This variant is present in population databases (rs753267038, gnomAD 0.003%). This variant has not been reported in the literature in individuals affected with GARS-related conditions. Invitae Evidence Modeling of protein sequence and biophysical properties (such as structural, functional, and spatial information, amino acid conservation, physicochemical variation, residue mobility, and thermodynamic stability) indicates that this missense variant is not expected to disrupt GARS protein function with a negative predictive value of 80%. In summary, the available evidence is currently insufficient to determine the role of this variant in disease. Therefore, it has been classified as a Variant of Uncertain Significance.

NM_002047.4(GARS1):c.1933C>T (p.His645Tyr)

Gene: GARS1 (glycyl-tRNA synthetase 1; plus strand). Cytogenetic location: 7p14.3.
Variant type: single nucleotide variant.
Coding change: c.1933C>T on transcript NM_002047.4 (MANE Select); coding-DNA position 1933, C replaced by T.
Protein change: p.His645Tyr; replaces histidine 645 with tyrosine.
Molecular consequence: missense variant.
Genome position (GRCh38, 1-based): chr7:30,632,276, C>T. VCF-style: chr7-30632276-C-T. GRCh37 (hg19) VCF-style: chr7-30671892-C-T.
Other names: c.1771C>T, p.His591Tyr (NM_001316772.1); short protein forms H591Y, H645Y.
Identifiers: ClinVar variation 3704633 (VCV003704633.2).
Genomic context (GRCh38, chr7:30,632,276, plus strand): 5'-ATTTTTAATTTACTTTGTTTATTTTGGATAGCGGAAGCCCTGACCAGGCATGGAGTATCT[C>T]ACAAAGTAGACGATTCCTCTGGGTCAATCGGAAGGCGCTATGCCAGGACTGATGAGATTG-3'
Protein context (NP_002038.2, residues 635-655): SEALTRHGVS[His645Tyr]KVDDSSGSIG